The following is an entry in ClinVar:

ClinVar aggregate classification (germline): Uncertain significance (1 of 4 stars; one submission).

Conditions:
Epidermolysis bullosa simplex 5B, with muscular dystrophy (EBS5B). Also called: Epidermolysis bullosa simplex with muscular dystrophy; EPIDERMOLYSIS BULLOSA SIMPLEX AND LIMB-GIRDLE MUSCULAR DYSTROPHY. Identifiers: Orphanet 257, MedGen C2931072, MONDO:0009181, OMIM 226670.
Epidermolysis bullosa simplex 5C, with pyloric atresia (EBS5C). Also called: PLEC-Related Epidermolysis Bullosa with Pyloric Atresia; Epidermolysis bullosa simplex with pyloric atresia; PLEC1-Related Epidermolysis Bullosa with Pyloric Atresia. Identifiers: Orphanet 158684, MedGen C2677349, MONDO:0012807, OMIM 612138.
Autosomal recessive limb-girdle muscular dystrophy type 2Q (LGMDR17). Also called: MUSCULAR DYSTROPHY, LIMB-GIRDLE, AUTOSOMAL RECESSIVE 17. Identifiers: Orphanet 254361, MedGen C3150989, MONDO:0013390, OMIM 613723.
Epidermolysis bullosa simplex with nail dystrophy (EBS5D). Identifiers: MedGen C4225309, MONDO:0014661, OMIM 616487.
Epidermolysis bullosa simplex, Ogna type (EBS5A). Also called: Pidermolysis bullosa simplex 5A, Ogna type; EPIDERMOLYSIS BULLOSA SIMPLEX 5A, OGNA TYPE. Identifiers: Orphanet 79401, MedGen C0432317, MONDO:0007555, OMIM 131950.

Allele frequency attached by ClinVar (database versions not stated): TOPMed 0.00001.

Submission:

Labcorp Genetics (formerly Invitae), Labcorp
Classification: Uncertain significance for Autosomal recessive limb-girdle muscular dystrophy type 2Q; Epidermolysis bullosa simplex, Ogna type; Epidermolysis bullosa simplex with nail dystrophy; Epidermolysis bullosa simplex 5C, with pyloric atresia; Epidermolysis bullosa simplex 5B, with muscular dystrophy. Last evaluated: 2026-01-07. Review status: criteria provided, single submitter. Criteria: Invitae Variant Classification Sherloc (09022015). Collection method: clinical testing. Allele origin: germline.
Comment: This sequence change replaces histidine, which is basic and polar, with tyrosine, which is neutral and polar, at codon 589 of the PLEC protein (p.His589Tyr). This variant is not present in population databases (gnomAD no frequency). This variant has not been reported in the literature in individuals affected with PLEC-related conditions. ClinVar contains an entry for this variant (Variation ID: 2421707). Invitae Evidence Modeling of protein sequence and biophysical properties (such as structural, functional, and spatial information, amino acid conservation, physicochemical variation, residue mobility, and thermodynamic stability) indicates that this missense variant is not expected to disrupt PLEC protein function with a negative predictive value of 80%. In summary, the available evidence is currently insufficient to determine the role of this variant in disease. Therefore, it has been classified as a Variant of Uncertain Significance.

NM_201384.3(PLEC):c.1684C>T (p.His562Tyr)

Gene: PLEC (plectin; minus strand). Cytogenetic location: 8q24.3.
Variant type: single nucleotide variant.
Coding change: c.1684C>T on transcript NM_201384.3 (MANE Select); coding-DNA position 1684, C replaced by T.
Protein change: p.His562Tyr; replaces histidine 562 with tyrosine.
Molecular consequence: missense variant.
Genome position (GRCh38, 1-based): chr8:143,932,846, G>A on the plus strand (C>T on the coding strand, the complement: PLEC is on the minus strand). VCF-style: chr8-143932846-G-A. GRCh37 (hg19) VCF-style: chr8-145007014-G-A.
Other names: c.1765C>T, p.His589Tyr (NM_000445.5, NM_001410941.1); c.1642C>T, p.His548Tyr (NM_201378.4); c.1618C>T, p.His540Tyr (NM_201379.3); c.2095C>T, p.His699Tyr (NM_201380.4); c.1588C>T, p.His530Tyr (NM_201381.3); c.1684C>T, p.His562Tyr (NM_201382.4); c.1696C>T, p.His566Tyr (NM_201383.3); short protein forms H530Y, H540Y, H548Y, H562Y, H566Y, H589Y, H699Y.
Identifiers: ClinVar variation 2421707 (VCV002421707.8), dbSNP rs1827801320, ClinGen allele CA372579424.